The following is an entry in ClinVar:

NM_001159773.2(CANT1):c.*1732T>C

Gene: CANT1 (calcium activated nucleotidase 1; minus strand). Cytogenetic location: 17q25.3.
Variant type: single nucleotide variant.
Coding change: c.*1732T>C on transcript NM_001159773.2 (MANE Select); 1732 bases downstream of the stop codon, T replaced by C.
Molecular consequence: 3 prime UTR variant.
Genome position (GRCh38, 1-based): chr17:78,991,818, A>G on the plus strand (T>C on the coding strand, the complement: CANT1 is on the minus strand). VCF-style: chr17-78991818-A-G. GRCh37 (hg19) VCF-style: chr17-76987900-A-G.
Other names: c.*1732T>C (NM_001159772.2, NM_138793.4).
Identifiers: ClinVar variation 891913 (VCV000891913.4), dbSNP rs184171534, ClinGen allele CA294808573.

ClinVar aggregate classification (germline): Benign (1 of 4 stars; one submission).

Conditions:
Desbuquois dysplasia 1 (DBQD1). Also called: MICROMELIC DWARFISM WITH VERTEBRAL AND METAPHYSEAL ABNORMALITIES AND ADVANCED CARPOTARSAL OSSIFICATION; DESBUQUOIS DYSPLASIA 1, KIM VARIANT. Identifiers: Orphanet 1425, MedGen C4012146, MONDO:0009629, OMIM 251450.

Allele frequency attached by ClinVar (database versions not stated): gnomAD exomes 0.00036; gnomAD 0.00041 and 0.00064; TOPMed 0.00048; 1000 Genomes Project 30x 0.00422; 1000 Genomes Project 0.00439.

Submission:

Illumina Laboratory Services, Illumina
Classification: Benign for Desbuquois dysplasia 1. Last evaluated: 2018-01-12. Review status: criteria provided, single submitter. Criteria: ICSL Variant Classification Criteria 13 December 2019. Collection method: clinical testing. Allele origin: germline.
Comment: This variant was observed in the ICSL laboratory as part of a predisposition screen in an ostensibly healthy population. It had not been previously curated by ICSL or reported in the Human Gene Mutation Database (HGMD: prior to June 1st, 2018), and was therefore a candidate for classification through an automated scoring system. Utilizing variant allele frequency, disease prevalence and penetrance estimates, and inheritance mode, an automated score was calculated to assess if this variant is too frequent to cause the disease. Based on the score and internal cut-off values, a variant classified as benign is not then subjected to further curation. The score for this variant resulted in a classification of benign for this disease.